The following is an entry in ClinVar:

ClinVar aggregate classification (germline): Uncertain significance (1 of 4 stars; one submission).

Conditions:
Progressive sclerosing poliodystrophy (MTDPS4A). Also called: ALPERS PROGRESSIVE INFANTILE POLIODYSTROPHY; NEURONAL DEGENERATION OF CHILDHOOD WITH LIVER DISEASE, PROGRESSIVE; Alpers Syndrome; ALPERS DIFFUSE DEGENERATION OF CEREBRAL GRAY MATTER WITH HEPATIC CIRRHOSIS; Alpers-Huttenlocher Syndrome; Mitochondrial DNA depletion syndrome 4A (Alpers type). Identifiers: Orphanet 726, MedGen C0205710, MONDO:0008758, OMIM 203700.

gnomAD v4.1: 1 of 1,614,166 alleles (0.000062%); highest among the groups gnomAD compares: Non-Finnish European, 0.000085%; no homozygotes.

Submission:

Labcorp Genetics (formerly Invitae), Labcorp
Classification: Uncertain significance for Progressive sclerosing poliodystrophy. Last evaluated: 2024-07-15. Review status: criteria provided, single submitter. Criteria: Invitae Variant Classification Sherloc (09022015). Collection method: clinical testing. Allele origin: germline.
Comment: This sequence change replaces tyrosine, which is neutral and polar, with phenylalanine, which is neutral and non-polar, at codon 444 of the POLG protein (p.Tyr444Phe). This variant is not present in population databases (gnomAD no frequency). This variant has not been reported in the literature in individuals affected with POLG-related conditions. Advanced modeling of protein sequence and biophysical properties (such as structural, functional, and spatial information, amino acid conservation, physicochemical variation, residue mobility, and thermodynamic stability) has been performed at Invitae for this missense variant, however the output from this modeling did not meet the statistical confidence thresholds required to predict the impact of this variant on POLG protein function. In summary, the available evidence is currently insufficient to determine the role of this variant in disease. Therefore, it has been classified as a Variant of Uncertain Significance.

NM_002693.3(POLG):c.1331A>T (p.Tyr444Phe)

Gene: POLG (DNA polymerase gamma, catalytic subunit; minus strand). Cytogenetic location: 15q26.1.
Variant type: single nucleotide variant.
Coding change: c.1331A>T on transcript NM_002693.3 (MANE Select); coding-DNA position 1331, A replaced by T.
Protein change: p.Tyr444Phe; replaces tyrosine 444 with phenylalanine.
Molecular consequence: missense variant.
Genome position (GRCh38, 1-based): chr15:89,327,269, T>A on the plus strand (A>T on the coding strand, the complement: POLG is on the minus strand). VCF-style: chr15-89327269-T-A. GRCh37 (hg19) VCF-style: chr15-89870500-T-A.
Other names: c.1331A>T, p.Tyr444Phe (NM_001126131.2); short protein forms Y444F.
Identifiers: ClinVar variation 3636644 (VCV003636644.2).